The following is an entry in ClinVar:

NM_004360.5(CDH1):c.1556A>G (p.Gln519Arg)

Gene: CDH1 (cadherin 1; plus strand). Cytogenetic location: 16q22.1.
Variant type: single nucleotide variant.
Coding change: c.1556A>G on transcript NM_004360.5 (MANE Select); coding-DNA position 1556, A replaced by G.
Protein change: p.Gln519Arg; replaces glutamine 519 with arginine.
Molecular consequence: missense variant. On other transcripts: 5 prime UTR variant (1).
Genome position (GRCh38, 1-based): chr16:68,815,750, A>G. VCF-style: chr16-68815750-A-G. GRCh37 (hg19) VCF-style: chr16-68849653-A-G.
Other names: c.1373A>G, p.Gln458Arg (NM_001317184.2); c.8A>G, p.Gln3Arg (NM_001317185.2); c.-264A>G (NM_001317186.2); short protein forms Q3R, Q458R, Q519R.
Identifiers: ClinVar variation 3252525 (VCV003252525.5), dbSNP rs2152135152.

ClinVar aggregate classification (germline): Uncertain significance. Review status: criteria provided, multiple submitters, no conflicts (2 of 4 stars). 3 submissions from 3 submitters: Uncertain significance (3). Last evaluated 2024-09-11.

Conditions:
Hereditary cancer-predisposing syndrome. Also called: Neoplastic Syndromes, Hereditary; Hereditary neoplastic syndrome; Tumor predisposition; Hereditary Cancer Syndrome. Identifiers: Orphanet 140162, MedGen C0027672, MeSH D009386, MONDO:0015356.
Hereditary diffuse gastric adenocarcinoma (HDGC). Also called: DIFFUSE GASTRIC AND LOBULAR BREAST CANCER SYNDROME. Identifiers: Orphanet 26106, MedGen C1708349, MONDO:0007648, OMIM 137215.

Submissions (3):

GeneDx
Classification: Uncertain significance. Last evaluated: 2024-09-11. Review status: criteria provided, single submitter. Criteria: GeneDx Variant Classification Process June 2021. Collection method: clinical testing. Allele origin: germline.
Comment: Not observed at significant frequency in large population cohorts (gnomAD); In silico analysis supports that this missense variant has a deleterious effect on protein structure/function; Has not been previously published as pathogenic or benign to our knowledge; This variant is associated with the following publications: (PMID: 15235021, 22850631)

Ambry Genetics
Classification: Uncertain significance for Hereditary cancer-predisposing syndrome. Last evaluated: 2024-05-12. Review status: criteria provided, single submitter. Criteria: Ambry Variant Classification Scheme 2023. Collection method: clinical testing. Allele origin: germline.
Comment: The p.Q519R variant (also known as c.1556A>G), located in coding exon 10 of the CDH1 gene, results from an A to G substitution at nucleotide position 1556. The glutamine at codon 519 is replaced by arginine, an amino acid with highly similar properties. This amino acid position is conserved. In addition, this alteration is predicted to be deleterious by in silico analysis. Based on the available evidence, the clinical significance of this variant remains unclear.

Labcorp Genetics (formerly Invitae), Labcorp
Classification: Uncertain significance for Hereditary diffuse gastric adenocarcinoma. Last evaluated: 2024-04-30. Review status: criteria provided, single submitter. Criteria: Invitae Variant Classification Sherloc (09022015). Collection method: clinical testing. Allele origin: germline.
Comment: This sequence change replaces glutamine, which is neutral and polar, with arginine, which is basic and polar, at codon 519 of the CDH1 protein (p.Gln519Arg). This variant is not present in population databases (gnomAD no frequency). This variant has not been reported in the literature in individuals affected with CDH1-related conditions. An algorithm developed to predict the effect of missense changes on protein structure and function (PolyPhen-2) suggests that this variant is likely to be disruptive. In summary, the available evidence is currently insufficient to determine the role of this variant in disease. Therefore, it has been classified as a Variant of Uncertain Significance.